The following is an entry in ClinVar:

NM_001080442.3(SLC38A8):c.1053del (p.Ile352fs)

Gene: SLC38A8 (solute carrier family 38 member 8; minus strand). Cytogenetic location: 16q23.3.
Variant type: Deletion.
Coding change: c.1053del on transcript NM_001080442.3 (MANE Select); coding-DNA position 1053, one base deleted (C; older notation c.1053delC).
Protein change: p.Ile352fs; shifts the reading frame from isoleucine 352.
Molecular consequence: frameshift variant.
Genome position (GRCh38, 1-based): chr16:84,016,628, G deleted on the plus strand (C on the coding strand, the reverse complement: SLC38A8 is on the minus strand); the first of 2 consecutive G bases (chr16:84,016,628-84,016,629); deleting either gives the same sequence. VCF-style (leftmost placement, unchanged base first): chr16-84016627-TG-T. GRCh37 (hg19) VCF-style: chr16-84050232-TG-T.
Other names: short protein forms I352fs.
Identifiers: ClinVar variation 3235052 (VCV003235052.1), dbSNP rs2507616467, ClinGen allele CA2825002453.

ClinVar aggregate classification (germline): Likely pathogenic (1 of 4 stars; one submission).

Conditions:
Foveal hypoplasia - optic nerve decussation defect - anterior segment dysgenesis syndrome. Also called: FOVEAL HYPOPLASIA 2 WITH OR WITHOUT OPTIC NERVE MISROUTING AND/OR ANTERIOR SEGMENT DYSGENESIS; FOVEAL HYPOPLASIA 2 WITH OR WITHOUT MICROPHTHALMIA OR COLOBOMA; FOVEAL HYPOPLASIA 2 WITH OPTIC NERVE DECUSSATION DEFECTS AND ANTERIOR SEGMENT DYSGENESIS WITHOUT ALBINISM; Foveal hypoplasia 2. Identifiers: Orphanet 397618, MedGen C3807873, MONDO:0012216, OMIM 609218.

Submission:

Neuberg Centre For Genomic Medicine, NCGM
Classification: Likely pathogenic for Foveal hypoplasia - optic nerve decussation defect - anterior segment dysgenesis syndrome. Review status: criteria provided, single submitter. Criteria: ACMG Guidelines, 2015. Collection method: clinical testing. Allele origin: germline. Inheritance: Autosomal recessive inheritance. Affected: yes.
Comment: The frameshift variant c.1053delp.Ile352SerfsTer6 in SLC38A8 gene has not been reported previously as a pathogenic variant nor as a benign variant, to our knowledge. The variant is novel not in any individuals in gnomAD Exomes and is novel not in any individuals in 1000 Genomes. This variant causes a frameshift starting with codon Isoleucine 352, changes this amino acid to Serine residue, and creates a premature Stop codon at position 6 of the new reading frame, denoted p.Ile352SerfsTer6.This variant is predicted to cause loss of normal protein function through protein truncation. Loss of function variants have been previously reported to be disease causing Poulter JA, et al., 2013. For these reasons, this variant has been classified as Likely Pathogenic.